The following is an entry in ClinVar:

ClinVar aggregate classification (germline): Uncertain significance (1 of 4 stars; one submission).

Conditions:
2-aminoadipic 2-oxoadipic aciduria (AAKAD). Also called: Aminoadipic aciduria; ALPHA-AMINOADIPIC AND ALPHA-KETOADIPIC ACIDURIA. Identifiers: Orphanet 79154, MedGen C1859817, MONDO:0008774, OMIM 204750.

Submission:

Labcorp Genetics (formerly Invitae), Labcorp
Classification: Uncertain significance for 2-aminoadipic 2-oxoadipic aciduria. Last evaluated: 2023-04-26. Review status: criteria provided, single submitter. Criteria: Invitae Variant Classification Sherloc (09022015). Collection method: clinical testing. Allele origin: unknown.
Comment: This variant has not been reported in the literature in individuals affected with DHTKD1-related conditions. In summary, the available evidence is currently insufficient to determine the role of this variant in disease. Therefore, it has been classified as a Variant of Uncertain Significance. Experimental studies and prediction algorithms are not available or were not evaluated, and the functional significance of this variant is currently unknown. This variant results in a copy number gain of the genomic region encompassing exon(s) 2-17 of the DHTKD1 gene. This region includes the termination codon of the gene. This copy number gain extends beyond the assayed region for this gene and therefore may encompass additional genes. As the precise location of this event is unknown, it may be in tandem or it may be located elsewhere in the genome.

NC_000010.10:g.(?_12123451)_(12162887_?)dup

Gene: DHTKD1 (dehydrogenase E1 and transketolase domain containing 1; plus strand). Cytogenetic location: 10p14.
Variant type: Duplication.
Identifiers: ClinVar variation 3244858 (VCV003244858.1).